The following is an entry in ClinVar:

NM_014915.3(ANKRD26):c.574C>A (p.Gln192Lys)

Gene: ANKRD26 (ankyrin repeat domain 26; minus strand). Cytogenetic location: 10p12.1.
Variant type: single nucleotide variant.
Coding change: c.574C>A on transcript NM_014915.3 (MANE Select); coding-DNA position 574, C replaced by A.
Protein change: p.Gln192Lys; replaces glutamine 192 with lysine.
Molecular consequence: missense variant.
Genome position (GRCh38, 1-based): chr10:27,092,470, G>T on the plus strand (C>A on the coding strand, the complement: ANKRD26 is on the minus strand). VCF-style: chr10-27092470-G-T. GRCh37 (hg19) VCF-style: chr10-27381399-G-T.
Other names: c.574C>A, p.Gln192Lys (NM_001256053.2); short protein forms Q192K.
Identifiers: ClinVar variation 3915512 (VCV003915512.2).

ClinVar aggregate classification (germline): Uncertain significance (1 of 4 stars; one submission).

Conditions:
Inborn genetic diseases. Identifiers: MedGen C0950123, MeSH D030342.

gnomAD v4.1: 1 of 1,613,592 alleles (0.000062%); highest among the groups gnomAD compares: East Asian, 0.0022%; no homozygotes.

Submission:

Ambry Genetics
Classification: Uncertain significance for Inborn genetic diseases. Last evaluated: 2025-11-30. Review status: criteria provided, single submitter. Criteria: Ambry Variant Classification Scheme 2023. Collection method: clinical testing. Allele origin: germline.
Comment: The p.Q192K variant (also known as c.574C>A), located in coding exon 4 of the ANKRD26 gene, results from a C to A substitution at nucleotide position 574. The glutamine at codon 192 is replaced by lysine, an amino acid with similar properties. This amino acid position is conserved. In addition, this alteration is predicted to be tolerated by in silico analysis. Based on the available evidence, the clinical significance of this variant remains unclear.